The following is an entry in ClinVar:

ClinVar aggregate classification (germline): Uncertain significance. Review status: criteria provided, multiple submitters, no conflicts (2 of 4 stars). 3 submissions from 3 submitters: Uncertain significance (3). Last evaluated 2024-12-17.

Conditions:
Primary dilated cardiomyopathy (DCM). Also called: Dilated Cardiomyopathy. Identifiers: Orphanet 217604, MedGen C0007193, MeSH D002311, MONDO:0005021, HP:0001644. Inheritance: Various modes of inheritance.
Cardiovascular phenotype. Identifiers: MedGen CN230736.
Dilated cardiomyopathy 1JJ (CMD1JJ). Identifiers: Orphanet 154, MedGen C3808935, MONDO:0014095, OMIM 615235.

Allele frequency attached by ClinVar (database versions not stated): gnomAD exomes below 0.00001; ExAC 0.00001.

Submissions (3):

Ambry Genetics
Classification: Uncertain significance for Cardiovascular phenotype. Last evaluated: 2024-12-17. Review status: criteria provided, single submitter. Criteria: Ambry Variant Classification Scheme 2023. Collection method: clinical testing. Allele origin: germline.
Comment: The p.Y1104C variant (also known as c.3311A>G), located in coding exon 24 of the LAMA4 gene, results from an A to G substitution at nucleotide position 3311. The tyrosine at codon 1104 is replaced by cysteine, an amino acid with highly dissimilar properties. This amino acid position is conserved. In addition, this alteration is predicted to be deleterious by in silico analysis. Based on the available evidence, the clinical significance of this variant remains unclear.

Labcorp Genetics (formerly Invitae), Labcorp
Classification: Uncertain significance for Dilated cardiomyopathy 1JJ. Last evaluated: 2023-09-23. Review status: criteria provided, single submitter. Criteria: Invitae Variant Classification Sherloc (09022015). Collection method: clinical testing. Allele origin: germline.
Comment: In summary, the available evidence is currently insufficient to determine the role of this variant in disease. Therefore, it has been classified as a Variant of Uncertain Significance. An algorithm developed to predict the effect of missense changes on protein structure and function (PolyPhen-2) suggests that this variant is likely to be disruptive. ClinVar contains an entry for this variant (Variation ID: 1520480). This variant has not been reported in the literature in individuals affected with LAMA4-related conditions. This variant is present in population databases (rs782782707, gnomAD 0.0009%). This sequence change replaces tyrosine, which is neutral and polar, with cysteine, which is neutral and slightly polar, at codon 1104 of the LAMA4 protein (p.Tyr1104Cys).

Department of Pathology and Laboratory Medicine, Sinai Health System
Classification: Uncertain significance for dilated cardiomyopathy. Last evaluated: 2021-02-23. Review status: criteria provided, single submitter. Criteria: ACMG Guidelines, 2015. Collection method: research. Allele origin: germline.

NM_001105206.3(LAMA4):c.3332A>G (p.Tyr1111Cys)

Gene: LAMA4 (laminin subunit alpha 4; minus strand). Cytogenetic location: 6q21.
Variant type: single nucleotide variant.
Coding change: c.3332A>G on transcript NM_001105206.3 (MANE Select); coding-DNA position 3332, A replaced by G.
Protein change: p.Tyr1111Cys; replaces tyrosine 1111 with cysteine.
Molecular consequence: missense variant.
Genome position (GRCh38, 1-based): chr6:112,136,205, T>C on the plus strand (A>G on the coding strand, the complement: LAMA4 is on the minus strand). VCF-style: chr6-112136205-T-C. GRCh37 (hg19) VCF-style: chr6-112457407-T-C.
Other names: c.3311A>G (NM_002290.3); c.3311A>G, p.Tyr1104Cys (NM_001105207.3, NM_002290.5); short protein forms Y1111C, Y1104C.
Identifiers: ClinVar variation 1520480 (VCV001520480.9), dbSNP rs782782707, ClinGen allele CA3965240.